The following is an entry in ClinVar:

NM_022786.3(ARV1):c.518del (p.Lys173fs)

Gene: ARV1 (ARV1 homolog, fatty acid homeostasis modulator; plus strand). Cytogenetic location: 1q42.2.
Variant type: Deletion.
Coding change: c.518del on transcript NM_022786.3 (MANE Select); coding-DNA position 518, one base deleted (A; older notation c.518delA).
Protein change: p.Lys173fs; shifts the reading frame from lysine 173.
Molecular consequence: frameshift variant. On other transcripts: non-coding transcript variant (1).
Genome position (GRCh38, 1-based): chr1:230,995,829, A deleted; the last of 9 consecutive A bases (chr1:230,995,821-230,995,829); deleting any one gives the same sequence. VCF-style (leftmost placement, unchanged base first): chr1-230995820-CA-C. GRCh37 (hg19) VCF-style: chr1-231131566-CA-C.
Other names: c.617del, p.Lys206fs (NM_001346992.2); c.518del (NM_022786.1); short protein forms K173fs, K206fs.
Identifiers: ClinVar variation 2446533 (VCV002446533.1), dbSNP rs544784472, ClinGen allele CA1450503.

ClinVar aggregate classification (germline): Likely pathogenic (1 of 4 stars; one submission).

Submission:

GeneDx
Classification: Likely pathogenic. Last evaluated: 2022-09-30. Review status: criteria provided, single submitter. Criteria: GeneDx Variant Classification Process June 2021. Collection method: clinical testing. Allele origin: germline. Affected: yes.
Comment: Frameshift variant predicted to result in protein truncation or nonsense mediated decay in a gene for which loss of function is a known mechanism of disease; Has not been previously published as pathogenic or benign to our knowledge